The following is an entry in ClinVar:

NM_004082.5(DCTN1):c.2749C>T (p.Pro917Ser)

Gene: DCTN1 (dynactin subunit 1; minus strand). Cytogenetic location: 2p13.1.
Variant type: single nucleotide variant.
Coding change: c.2749C>T on transcript NM_004082.5 (MANE Select); coding-DNA position 2749, C replaced by T.
Protein change: p.Pro917Ser; replaces proline 917 with serine.
Molecular consequence: missense variant. On other transcripts: non-coding transcript variant (1).
Genome position (GRCh38, 1-based): chr2:74,366,255, G>A on the plus strand (C>T on the coding strand, the complement: DCTN1 is on the minus strand). VCF-style: chr2-74366255-G-A. GRCh37 (hg19) VCF-style: chr2-74593382-G-A.
Other names: c.2689C>T, p.Pro897Ser (NM_001135040.3); c.2347C>T, p.Pro783Ser (NM_001135041.3, NM_023019.4); c.2638C>T, p.Pro880Ser (NM_001190836.2); c.2728C>T, p.Pro910Ser (NM_001190837.2); c.2698C>T, p.Pro900Ser (NM_001378991.1); c.2680C>T, p.Pro894Ser (NM_001378992.1); short protein forms P894S, P917S, P880S, P897S, P900S, P783S, P910S.
Identifiers: ClinVar variation 2929015 (VCV002929015.4), dbSNP rs1346822039, ClinGen allele CA347343127.

ClinVar aggregate classification (germline): Uncertain significance. Review status: criteria provided, multiple submitters, no conflicts (2 of 4 stars). 2 submissions from 2 submitters: Uncertain significance (2). Last evaluated 2025-10-07.

Conditions:
Inborn genetic diseases. Identifiers: MedGen C0950123, MeSH D030342.
Amyotrophic lateral sclerosis type 1 (ALS1). Also called: AMYOTROPHIC LATERAL SCLEROSIS 1, FAMILIAL. Identifiers: Orphanet 803, MedGen C1862939, MONDO:0007103, OMIM 105400.
Neuronopathy, distal hereditary motor, type 7B. Also called: NEURONOPATHY, DISTAL HEREDITARY MOTOR, AUTOSOMAL DOMINANT 14; NEURONOPATHY, DISTAL HEREDITARY MOTOR, HARDING TYPE VIIB; NEUROPATHY, DISTAL HEREDITARY MOTOR, HARDING TYPE VIIB; NEUROPATHY, DISTAL HEREDITARY MOTOR, WITH VOCAL CORD PARALYSIS, HARDING TYPE VIIB; Distal Hereditary Motor Neuronopathy Type 7B (dHMN7B); HMN VIIB. Identifiers: Orphanet 139589, MedGen C1843315, MONDO:0011879, OMIM 607641.
Perry syndrome. Also called: PARKINSONISM WITH ALVEOLAR HYPOVENTILATION AND MENTAL DEPRESSION. Identifiers: Orphanet 178509, MedGen C1868594, MONDO:0008201, OMIM 168605.

Allele frequency attached by ClinVar (database versions not stated): TOPMed below 0.00001.

Submissions (2):

Ambry Genetics
Classification: Uncertain significance for Inborn genetic diseases. Last evaluated: 2025-10-07. Review status: criteria provided, single submitter. Criteria: Ambry Variant Classification Scheme 2023. Collection method: clinical testing. Allele origin: germline.

Labcorp Genetics (formerly Invitae), Labcorp
Classification: Uncertain significance for Amyotrophic lateral sclerosis type 1; Neuronopathy, distal hereditary motor, type 7B; Perry syndrome. Last evaluated: 2023-10-23. Review status: criteria provided, single submitter. Criteria: Invitae Variant Classification Sherloc (09022015). Collection method: clinical testing. Allele origin: germline.
Comment: This sequence change replaces proline, which is neutral and non-polar, with serine, which is neutral and polar, at codon 917 of the DCTN1 protein (p.Pro917Ser). This variant is present in population databases (no rsID available, gnomAD no frequency). This variant has not been reported in the literature in individuals affected with DCTN1-related conditions. Advanced modeling of protein sequence and biophysical properties (such as structural, functional, and spatial information, amino acid conservation, physicochemical variation, residue mobility, and thermodynamic stability) performed at Invitae indicates that this missense variant is not expected to disrupt DCTN1 protein function. In summary, the available evidence is currently insufficient to determine the role of this variant in disease. Therefore, it has been classified as a Variant of Uncertain Significance.